The following is an entry in ClinVar:

ClinVar aggregate classification (germline): Uncertain significance (1 of 4 stars; one submission).

Conditions:
Hereditary cancer-predisposing syndrome. Also called: Hereditary Cancer Syndrome; Neoplastic Syndromes, Hereditary; Tumor predisposition; Hereditary neoplastic syndrome. Identifiers: Orphanet 140162, MedGen C0027672, MeSH D009386, MONDO:0015356.

Submission:

Ambry Genetics
Classification: Uncertain significance for Hereditary cancer-predisposing syndrome. Last evaluated: 2025-08-27. Review status: criteria provided, single submitter. Criteria: Ambry Variant Classification Scheme 2023. Collection method: clinical testing. Allele origin: germline.
Comment: The c.497-7_497-4delTTTT intronic variant begins 4 nucleotides before coding exon 5 in the ATM gene. This variant results from a deletion of 4 nucleotides at positions c.497-4 to c.497-7. This nucleotide region is not well conserved in available vertebrate species. In silico splice site analysis for this alteration is inconclusive and direct evidence is insufficient at this time (Ambry internal data). Based on the available evidence, the clinical significance of this variant remains unclear.

NM_000051.4(ATM):c.497-7_497-4del

Gene: ATM (ATM serine/threonine kinase; plus strand). Cytogenetic location: 11q22.3.
Variant type: Deletion.
Coding change: c.497-7_497-4del on transcript NM_000051.4 (MANE Select); 7 bases into the intron before coding-DNA position 497 through 4 bases into the intron before coding-DNA position 497, 4 bases deleted (TTTT; older notation c.497-7_497-4delTTTT).
Molecular consequence: intron variant.
Genome position (GRCh38, 1-based): chr11:108,243,946-108,243,949, TTTT deleted; deleting any 4 consecutive bases within chr11:108,243,935-108,243,949 gives the same sequence; the c. name uses the placement nearest the transcript's 3' end. VCF-style (leftmost placement, unchanged base first): chr11-108243934-ATTTT-A. GRCh37 (hg19) VCF-style: chr11-108114661-ATTTT-A.
Other names: c.497-7_497-4del (NM_001351834.2).
Identifiers: ClinVar variation 1744495 (VCV001744495.5), dbSNP rs768748099, ClinGen allele CA671368019.